The following is an entry in ClinVar:

NM_001165963.4(SCN1A):c.4506A>G (p.Glu1502=)

Genes: SCN1A (sodium voltage-gated channel alpha subunit 1; minus strand), LOC102724058 (uncharacterized LOC102724058; plus strand). Cytogenetic location: 2q24.3.
Variant type: single nucleotide variant.
Coding change: c.4506A>G on transcript NM_001165963.4 (MANE Select); coding-DNA position 4506, A replaced by G.
Protein change: p.Glu1502=; no amino-acid change (glutamic acid 1502 retained).
Molecular consequence: synonymous variant. On other transcripts: non-coding transcript variant (1).
Genome position (GRCh38, 1-based): chr2:165,996,088, T>C on the plus strand (A>G on the coding strand, the complement: SCN1A is on the minus strand). VCF-style: chr2-165996088-T-C. GRCh37 (hg19) VCF-style: chr2-166852598-T-C.
Other names: p.E1502E:GAA>GAG; p.E1491E:GAA>GAG; c.4422A>G, p.Glu1474= (NM_001165964.3, NM_001353957.2, NM_001353958.2); c.4506A>G, p.Glu1502= (NM_001202435.3, NM_001353948.2); c.4473A>G, p.Glu1491= (NM_001353949.2, NM_001353950.2, NM_001353951.2 and 2 more transcripts); c.4470A>G, p.Glu1490= (NM_001353954.2, NM_001353955.2); c.4419A>G, p.Glu1473= (NM_001353960.2); c.2064A>G, p.Glu688= (NM_001353961.2).
Identifiers: ClinVar variation 138983 (VCV000138983.1), dbSNP rs587781147, ClinGen allele CA293188.

ClinVar aggregate classification (germline): Benign (1 of 4 stars; one submission).

Allele frequency attached by ClinVar (database versions not stated): gnomAD exomes below 0.00001.
gnomAD v4.1: 1 of 1,608,806 alleles (0.000062%); highest among the groups gnomAD compares: Non-Finnish European, 0.000085%; no homozygotes.

Submission:

GeneDx
Classification: Benign. Last evaluated: 2012-04-26. Review status: criteria provided, single submitter. Criteria: GeneDx Variant Classification (06012015). Collection method: clinical testing. Allele origin: germline. Affected: yes.
Comment: This variant is considered likely benign or benign based on one or more of the following criteria: it is a conservative change, it occurs at a poorly conserved position in the protein, it is predicted to be benign by multiple in silico algorithms, and/or has population frequency not consistent with disease.